The following is an entry in ClinVar:

NM_001330078.2(NRXN1):c.194G>C (p.Gly65Ala)

Gene: NRXN1 (neurexin 1; minus strand). Cytogenetic location: 2p16.3.
Variant type: single nucleotide variant.
Coding change: c.194G>C on transcript NM_001330078.2 (MANE Select); coding-DNA position 194, G replaced by C.
Protein change: p.Gly65Ala; replaces glycine 65 with alanine.
Molecular consequence: missense variant.
Genome position (GRCh38, 1-based): chr2:51,028,080, C>G on the plus strand (G>C on the coding strand, the complement: NRXN1 is on the minus strand). VCF-style: chr2-51028080-C-G. GRCh37 (hg19) VCF-style: chr2-51255218-C-G.
Other names: c.194G>C, p.Gly65Ala (NM_001330084.2, NM_001330085.2, NM_001330086.2 and 15 more transcripts); short protein forms G65A.
Identifiers: ClinVar variation 1503433 (VCV001503433.6), dbSNP rs1670884089, ClinGen allele CA346824496.

ClinVar aggregate classification (germline): Uncertain significance (1 of 4 stars; one submission).

Conditions:
Pitt-Hopkins-like syndrome 2 (PTHSL2). Identifiers: Orphanet 221150, Orphanet 600663, MedGen C3280479, MONDO:0013690, OMIM 614325.

Submission:

Labcorp Genetics (formerly Invitae), Labcorp
Classification: Uncertain significance for Pitt-Hopkins-like syndrome 2. Last evaluated: 2021-09-05. Review status: criteria provided, single submitter. Criteria: Invitae Variant Classification Sherloc (09022015). Collection method: clinical testing. Allele origin: germline.
Comment: This sequence change replaces glycine with alanine at codon 65 of the NRXN1 protein (p.Gly65Ala). The glycine residue is highly conserved and there is a small physicochemical difference between glycine and alanine. This variant is not present in population databases (ExAC no frequency). This variant has not been reported in the literature in individuals affected with NRXN1-related conditions. Algorithms developed to predict the effect of missense changes on protein structure and function are either unavailable or do not agree on the potential impact of this missense change (SIFT: "Deleterious"; PolyPhen-2: "Benign"; Align-GVGD: "Class C0"). In summary, the available evidence is currently insufficient to determine the role of this variant in disease. Therefore, it has been classified as a Variant of Uncertain Significance.